The following is an entry in ClinVar:

ClinVar aggregate classification (germline): Uncertain significance. Review status: criteria provided, multiple submitters, no conflicts (2 of 4 stars). 2 submissions from 2 submitters: Uncertain significance (2). Last evaluated 2025-10-01.

Conditions:
Hereditary cancer-predisposing syndrome. Also called: Neoplastic Syndromes, Hereditary; Tumor predisposition; Hereditary Cancer Syndrome; Hereditary neoplastic syndrome. Identifiers: Orphanet 140162, MedGen C0027672, MeSH D009386, MONDO:0015356.

Submissions (2):

CeGaT Center for Human Genetics Tuebingen
Classification: Uncertain significance. Last evaluated: 2025-10-01. Review status: criteria provided, single submitter. Criteria: CeGaT Center For Human Genetics Tuebingen Variant Classification Criteria Version 2. Collection method: clinical testing. Allele origin: germline. Affected: yes. Observed: 1 variant allele.
Comment: BRCA2: PM2, BP4

Color Diagnostics, LLC DBA Color Health
Classification: Uncertain significance for Hereditary cancer-predisposing syndrome. Last evaluated: 2025-09-18. Review status: criteria provided, single submitter. Criteria: ACMG Guidelines, 2015. Collection method: clinical testing. Allele origin: germline.
Comment: This missense variant replaces lysine with glutamic acid at codon 467 of the BRCA2 protein. Computational prediction suggests that this variant may not impact protein structure and function. To our knowledge, functional studies have not been reported for this variant. This variant has not been reported in individuals affected with BRCA2-related disorders in the literature. This variant has not been identified in the general population by the Genome Aggregation Database (gnomAD). The available evidence is insufficient to determine the role of this variant in disease conclusively. Therefore, this variant is classified as a Variant of Uncertain Significance.

NM_000059.4(BRCA2):c.1399A>G (p.Lys467Glu)

Gene: BRCA2 (BRCA2 DNA repair associated; plus strand). Cytogenetic location: 13q13.1.
Variant type: single nucleotide variant.
Coding change: c.1399A>G on transcript NM_000059.4 (MANE Select); coding-DNA position 1399, A replaced by G.
Protein change: p.Lys467Glu; replaces lysine 467 with glutamic acid.
Molecular consequence: missense variant. On other transcripts: non-coding transcript variant (1), intron variant (1).
Genome position (GRCh38, 1-based): chr13:32,332,877, A>G. VCF-style: chr13-32332877-A-G. GRCh37 (hg19) VCF-style: chr13-32907014-A-G.
Other names: c.1399A>G, p.Lys467Glu (NM_001406719.1, NM_001406720.1, NM_001406721.1 and 1 more transcripts); c.424+1847A>G (NM_001406722.1); short protein forms K467E.
Identifiers: ClinVar variation 4535062 (VCV004535062.7).
Genomic context (GRCh38, chr13:32,332,877, plus strand): 5'-CCACGTATTTCTAGCCTACCAAAATCAGAGAAGCCATTAAATGAGGAAACAGTGGTAAAT[A>G]AGAGAGATGAAGAGCAGCATCTTGAATCTCATACAGACTGCATTCTTGCAGTAAAGCAGG-3'
Protein context (NP_000050.3, residues 457-477): KPLNEETVVN[Lys467Glu]RDEEQHLESH